The following is an entry in ClinVar:

NM_020937.4(FANCM):c.1040C>T (p.Pro347Leu)

Gene: FANCM (FA complementation group M; plus strand). Cytogenetic location: 14q21.2.
Variant type: single nucleotide variant.
Coding change: c.1040C>T on transcript NM_020937.4 (MANE Select); coding-DNA position 1040, C replaced by T.
Protein change: p.Pro347Leu; replaces proline 347 with leucine.
Molecular consequence: missense variant.
Genome position (GRCh38, 1-based): chr14:45,151,518, C>T. VCF-style: chr14-45151518-C-T. GRCh37 (hg19) VCF-style: chr14-45620721-C-T.
Other names: c.962C>T, p.Pro321Leu (NM_001308133.2); c.1040C>T, p.Pro347Leu (NM_001308134.2); short protein forms P347L, P321L.
Identifiers: ClinVar variation 241314 (VCV000241314.34), dbSNP rs151071546, ClinGen allele CA7168910.

ClinVar aggregate classification (germline): Conflicting classifications of pathogenicity. Review status: criteria provided, conflicting classifications (1 of 4 stars). 6 submissions from 6 submitters: Uncertain significance (2); Benign (2); Likely benign (2). Last evaluated 2025-12-22.

Conditions:
Hereditary cancer-predisposing syndrome. Also called: Tumor predisposition; Hereditary Cancer Syndrome; Neoplastic Syndromes, Hereditary; Hereditary neoplastic syndrome. Identifiers: Orphanet 140162, MedGen C0027672, MeSH D009386, MONDO:0015356.
Fanconi anemia (FA). Also called: Fanconi's anemia. Identifiers: Orphanet 84, MedGen C0015625, MeSH D005199, MONDO:0019391.

Allele frequency attached by ClinVar (database versions not stated): gnomAD exomes 0.00018 and 0.00050; ExAC 0.00072; 1000 Genomes Project 0.00160; gnomAD 0.00229 and 0.00243; ESP Exome Variant Server 0.00254; TOPMed 0.00254; 1000 Genomes Project 30x 0.00297.
gnomAD v4.1: 616 of 1,611,716 alleles (0.038%); highest among the groups gnomAD compares: African/African-American, 0.72%; 4 homozygotes.

Submissions (6):

Labcorp Genetics (formerly Invitae), Labcorp
Classification: Benign for Fanconi anemia. Last evaluated: 2025-12-22. Review status: criteria provided, single submitter. Criteria: Invitae Variant Classification Sherloc (09022015). Collection method: clinical testing. Allele origin: germline.

Quest Diagnostics Nichols Institute San Juan Capistrano
Classification: Benign. Last evaluated: 2025-08-22. Review status: criteria provided, single submitter. Criteria: Quest Diagnostics criteria. Collection method: clinical testing. Allele origin: unknown.

GeneDx
Classification: Uncertain significance. Last evaluated: 2025-03-17. Review status: criteria provided, single submitter. Criteria: GeneDx Variant Classification Process June 2021. Collection method: clinical testing. Allele origin: germline. Affected: yes.
Comment: In silico analysis supports that this missense variant has a deleterious effect on protein structure/function; Observed in cases and controls in a breast cancer study (PMID: 33471991); This variant is associated with the following publications: (PMID: 33471991)

CeGaT Center for Human Genetics Tuebingen
Classification: Likely benign. Last evaluated: 2025-03-01. Review status: criteria provided, single submitter. Criteria: CeGaT Center For Human Genetics Tuebingen Variant Classification Criteria Version 2. Collection method: clinical testing. Allele origin: germline. Affected: yes. Observed: 1 variant allele.
Comment: FANCM: BP4, BS2

Sema4
Classification: Uncertain significance for Hereditary cancer-predisposing syndrome. Last evaluated: 2022-02-07. Review status: criteria provided, single submitter. Criteria: Sema4 Curation Guidelines. Collection method: curation. Allele origin: germline.
Comment: The FANCM c.1040C>T (p.P347L) variant was reported in a large cohort study comprising 60,466 women with breast cancer and 53,461 controls (PMID 33471991). The variant was identified in 3/60466 cases and 1/53461 controls, with OR=2.6524 (95% CI = 0.2759 to 25.5012, p=0.3982). This variant was observed in 173/24852 chromosomes in the African/African American population, according to the Genome Aggregation Database (PMID: 32461654). This variant has been reported in ClinVar (Variation ID: 241314). Functional studies have not been performed, and in silico predictions of the variant's effect on protein function are inconclusive. The overall evidence is insufficient to meet ACMG/AMP criteria for classifying it as benign or pathogenic. In summary, the clinical significance of this variant is currently uncertain.

Genetic Services Laboratory, University of Chicago
Classification: Likely benign. Last evaluated: 2021-06-18. Review status: criteria provided, single submitter. Criteria: ACMG Guidelines, 2015. Collection method: clinical testing. Allele origin: germline. Affected: no.

Literature cited by the submitters: PubMed 36707629 (cited by Quest Diagnostics Nichols Institute San Juan Capistrano); PubMed 33471991 (cited by Quest Diagnostics Nichols Institute San Juan Capistrano and Sema4).